The following is an entry in ClinVar:

NM_001042492.3(NF1):c.1849G>A (p.Ala617Thr)

Gene: NF1 (neurofibromin 1; plus strand). Cytogenetic location: 17q11.2.
Variant type: single nucleotide variant.
Coding change: c.1849G>A on transcript NM_001042492.3 (MANE Select); coding-DNA position 1849, G replaced by A.
Protein change: p.Ala617Thr; replaces alanine 617 with threonine.
Molecular consequence: missense variant.
Genome position (GRCh38, 1-based): chr17:31,225,098, G>A. VCF-style: chr17-31225098-G-A. GRCh37 (hg19) VCF-style: chr17-29552116-G-A.
Other names: c.1849G>A, p.Ala617Thr (NM_000267.4); short protein forms A617T.
Identifiers: ClinVar variation 429019 (VCV000429019.16), dbSNP rs1131691135, ClinGen allele CA399005015.

ClinVar aggregate classification (germline): Conflicting classifications of pathogenicity. Review status: criteria provided, conflicting classifications (1 of 4 stars). 5 submissions from 5 submitters: Uncertain significance (4); Likely benign (1). Last evaluated 2025-12-22.

Conditions:
Hereditary cancer-predisposing syndrome. Also called: Hereditary neoplastic syndrome; Tumor predisposition; Neoplastic Syndromes, Hereditary; Hereditary Cancer Syndrome. Identifiers: Orphanet 140162, MedGen C0027672, MeSH D009386, MONDO:0015356.
Cardiovascular phenotype. Identifiers: MedGen CN230736.
Neurofibromatosis, type 1 (NF1). Also called: Neurofibromatosis, type I; NEUROFIBROMATOSIS, TYPE I, SOMATIC; Peripheral type neurofibromatosis; VON RECKLINGHAUSEN DISEASE. Identifiers: Orphanet 636, MedGen C0027831, MONDO:0018975, OMIM 162200. Disease mechanism: loss of function.
Neurofibromatosis, familial spinal (FSNF). Identifiers: Orphanet 636, MedGen C1834235, MONDO:0008078, OMIM 162210. Disease mechanism: loss of function.
Juvenile myelomonocytic leukemia (JMML). Also called: LEUKEMIA, JUVENILE MYELOMONOCYTIC, SOMATIC. Identifiers: Orphanet 86834, MedGen C0349639, MONDO:0011908, OMIM 607785, HP:0012209.
Neurofibromatosis-Noonan syndrome (NFNS). Also called: NEUROFIBROMATOSIS WITH NOONAN PHENOTYPE. Identifiers: Orphanet 638, MedGen C2931482, MONDO:0011035, OMIM 601321. Disease mechanism: loss of function.
Café-au-lait macules with pulmonary stenosis (WTSN). Also called: PULMONIC STENOSIS WITH CAFE-AU-LAIT SPOTS. Identifiers: MedGen C0553586, MONDO:0008672, OMIM 193520.

Allele frequency attached by ClinVar (database versions not stated): gnomAD 0.00001; TOPMed 0.00001.
gnomAD v4.1: 1 of 1,613,214 alleles (0.000062%); highest among the groups gnomAD compares: African/African-American, 0.0013%; no homozygotes.

Submissions (5):

Labcorp Genetics (formerly Invitae), Labcorp
Classification: Uncertain significance for Neurofibromatosis, type 1. Last evaluated: 2025-12-22. Review status: criteria provided, single submitter. Criteria: Invitae Variant Classification Sherloc (09022015). Collection method: clinical testing. Allele origin: germline.
Comment: This sequence change replaces alanine, which is neutral and non-polar, with threonine, which is neutral and polar, at codon 617 of the NF1 protein (p.Ala617Thr). This variant is not present in population databases (gnomAD no frequency). This variant has not been reported in the literature in individuals affected with NF1-related conditions. ClinVar contains an entry for this variant (Variation ID: 429019). Invitae Evidence Modeling of protein sequence and biophysical properties (such as structural, functional, and spatial information, amino acid conservation, physicochemical variation, residue mobility, and thermodynamic stability) indicates that this missense variant is not expected to disrupt NF1 protein function with a negative predictive value of 95%. In summary, the available evidence is currently insufficient to determine the role of this variant in disease. Therefore, it has been classified as a Variant of Uncertain Significance.

Fulgent Genetics
Classification: Uncertain significance for Neurofibromatosis, type 1; Neurofibromatosis, familial spinal; Café-au-lait macules with pulmonary stenosis; Neurofibromatosis-Noonan syndrome; Juvenile myelomonocytic leukemia. Last evaluated: 2024-04-10. Review status: criteria provided, single submitter. Criteria: ACMG Guidelines, 2015. Collection method: clinical testing. Allele origin: germline.

Ambry Genetics
Classification: Likely benign for Cardiovascular phenotype; Hereditary cancer-predisposing syndrome. Last evaluated: 2023-12-01. Review status: criteria provided, single submitter. Criteria: Ambry Variant Classification Scheme 2023. Collection method: clinical testing. Allele origin: germline.

Genome-Nilou Lab
Classification: Uncertain significance for Neurofibromatosis, type 1. Last evaluated: 2022-03-15. Review status: criteria provided, single submitter. Criteria: ACMG Guidelines, 2015. Collection method: clinical testing. Allele origin: germline. Affected: no.

Sema4
Classification: Uncertain significance for Hereditary cancer-predisposing syndrome. Last evaluated: 2021-11-22. Review status: criteria provided, single submitter. Criteria: Sema4 Curation Guidelines. Collection method: curation. Allele origin: germline.
Comment: The NF1 c.1849G>A (p.A617T) variant has not been reported in the literature to our knowledge. It was not observed in the large and broad cohorts of the Genome Aggregation Database (PMID: 32461654). The variant has been reported in ClinVar (Variation ID: 429019). In silico tools suggest the impact of the variant on protein function is benign, though these predictions have not been confirmed by functional studies. The evidence is insufficient to meet ACMG/AMP criteria for classifying the variant as benign or pathogenic. Thus, the clinical significance of this variant is currently uncertain.